The following is an entry in ClinVar:

ClinVar aggregate classification (germline): Uncertain significance. Review status: criteria provided, multiple submitters, no conflicts (2 of 4 stars). 2 submissions from 2 submitters: Uncertain significance (2). Last evaluated 2025-11-25.

Conditions:
Hereditary cancer-predisposing syndrome. Also called: Hereditary Cancer Syndrome; Neoplastic Syndromes, Hereditary; Tumor predisposition; Hereditary neoplastic syndrome. Identifiers: Orphanet 140162, MedGen C0027672, MeSH D009386, MONDO:0015356.
Renal cell carcinoma. Identifiers: Orphanet 217071, MedGen C0007134, MeSH D002292, MONDO:0005086, HP:0005584.

Allele frequency attached by ClinVar (database versions not stated): gnomAD exomes below 0.00001; TOPMed below 0.00001; ExAC 0.00001; gnomAD 0.00001.

Submissions (2):

Labcorp Genetics (formerly Invitae), Labcorp
Classification: Uncertain significance for Renal cell carcinoma. Last evaluated: 2025-11-25. Review status: criteria provided, single submitter. Criteria: Invitae Variant Classification Sherloc (09022015). Collection method: clinical testing. Allele origin: germline.
Comment: This sequence change replaces histidine, which is basic and polar, with arginine, which is basic and polar, at codon 1070 of the MET protein (p.His1070Arg). This variant is present in population databases (rs763398740, gnomAD 0.002%). This variant has not been reported in the literature in individuals affected with MET-related conditions. ClinVar contains an entry for this variant (Variation ID: 1024715). Invitae Evidence Modeling of protein sequence and biophysical properties (such as structural, functional, and spatial information, amino acid conservation, physicochemical variation, residue mobility, and thermodynamic stability) indicates that this missense variant is not expected to disrupt MET protein function with a negative predictive value of 80%. In summary, the available evidence is currently insufficient to determine the role of this variant in disease. Therefore, it has been classified as a Variant of Uncertain Significance.

Ambry Genetics
Classification: Uncertain significance for Hereditary cancer-predisposing syndrome. Last evaluated: 2024-02-01. Review status: criteria provided, single submitter. Criteria: Ambry Variant Classification Scheme 2023. Collection method: clinical testing. Allele origin: germline.
Comment: The p.H1070R variant (also known as c.3209A>G), located in coding exon 14 of the MET gene, results from an A to G substitution at nucleotide position 3209. The histidine at codon 1070 is replaced by arginine, an amino acid with highly similar properties. This amino acid position is highly conserved in available vertebrate species. In addition, the in silico prediction for this alteration is inconclusive. Since supporting evidence is limited at this time, the clinical significance of this alteration remains unclear.

NM_000245.4(MET):c.3155A>G (p.His1052Arg)

Gene: MET (MET proto-oncogene, receptor tyrosine kinase; plus strand). Cytogenetic location: 7q31.2.
Variant type: single nucleotide variant.
Coding change: c.3155A>G on transcript NM_000245.4 (MANE Select); coding-DNA position 3155, A replaced by G.
Protein change: p.His1052Arg; replaces histidine 1052 with arginine.
Molecular consequence: missense variant.
Genome position (GRCh38, 1-based): chr7:116,775,007, A>G. VCF-style: chr7-116775007-A-G. GRCh37 (hg19) VCF-style: chr7-116415061-A-G.
Other names: c.3209A>G, p.His1070Arg (NM_001127500.3); c.1865A>G, p.His622Arg (NM_001324402.2); short protein forms H1052R, H1070R, H622R.
Identifiers: ClinVar variation 1024715 (VCV001024715.9), dbSNP rs763398740, ClinGen allele CA4448661.